The following is an entry in ClinVar:

NM_174936.4(PCSK9):c.1480A>G (p.Lys494Glu)

Gene: PCSK9 (proprotein convertase subtilisin/kexin type 9; plus strand). Cytogenetic location: 1p32.3.
Variant type: single nucleotide variant.
Coding change: c.1480A>G on transcript NM_174936.4 (MANE Select); coding-DNA position 1480, A replaced by G.
Protein change: p.Lys494Glu; replaces lysine 494 with glutamic acid.
Molecular consequence: missense variant.
Genome position (GRCh38, 1-based): chr1:55,058,624, A>G. VCF-style: chr1-55058624-A-G. GRCh37 (hg19) VCF-style: chr1-55524297-A-G.
Other names: c.1603A>G, p.Lys535Glu (NM_001407240.1); c.1480A>G, p.Lys494Glu (NM_001407241.1); c.1483A>G, p.Lys495Glu (NM_001407242.1); c.1423A>G, p.Lys475Glu (NM_001407243.1); c.1306A>G, p.Lys436Glu (NM_001407244.1); c.1288A>G, p.Lys430Glu (NM_001407245.1); c.1105A>G, p.Lys369Glu (NM_001407246.1); short protein forms K494E, K369E, K436E, K535E, K430E, K495E, K475E.
Identifiers: ClinVar variation 523716 (VCV000523716.2), dbSNP rs1553137710, ClinGen allele CA340479278.

ClinVar aggregate classification (germline): Uncertain significance (1 of 4 stars; one submission).

Conditions:
Hypercholesterolemia, familial, 1. Also called: LDL RECEPTOR DISORDER; Hyperlipoproteinemia Type IIa; HYPER-LOW-DENSITY-LIPOPROTEINEMIA; HYPERCHOLESTEROLEMIC XANTHOMATOSIS, FAMILIAL; Fredrickson type IIa hyperlipoproteinemia; Hyperlipoproteinemia type 2. Identifiers: Orphanet 391665, MedGen C0745103, MONDO:0007750, OMIM 143890.

Submission:

Iberoamerican FH Network
Classification: Uncertain significance for Familial hypercholesterolemia. Last evaluated: 2016-03-01. Review status: criteria provided, single submitter. Criteria: ACMG Guidelines, 2015. Collection method: research. Allele origin: germline.
Comment: Variant present in the database from Mexico